The following is an entry in ClinVar:

ClinVar aggregate classification (germline): Likely benign. Review status: criteria provided, multiple submitters, no conflicts (2 of 4 stars). 2 submissions from 2 submitters: Likely benign (2). Last evaluated 2025-04-19.

Conditions:
Bardet-Biedl syndrome (BBS). Identifiers: Orphanet 110, MedGen C0752166, MONDO:0015229.
WDPCP-related disorder. Also called: WDPCP-related condition.

Submissions (2):

Labcorp Genetics (formerly Invitae), Labcorp
Classification: Likely benign for Bardet-Biedl syndrome. Last evaluated: 2025-04-19. Review status: criteria provided, single submitter. Criteria: Invitae Variant Classification Sherloc (09022015). Collection method: clinical testing. Allele origin: germline.

PreventionGenetics, part of Exact Sciences
Classification: Likely benign for WDPCP-related condition. Last evaluated: 2024-12-08. Review status: criteria provided, single submitter. Criteria: ACMG Guidelines, 2015. Collection method: clinical testing. Allele origin: germline.
Comment: This variant is classified as likely benign based on ACMG/AMP sequence variant interpretation guidelines (Richards et al. 2015 PMID: 25741868, with internal and published modifications).

NM_015910.7(WDPCP):c.1803C>T (p.Asp601=)

Gene: WDPCP (WD repeat containing planar cell polarity effector; minus strand). Cytogenetic location: 2p15.
Variant type: single nucleotide variant.
Coding change: c.1803C>T on transcript NM_015910.7 (MANE Select); coding-DNA position 1803, C replaced by T.
Protein change: p.Asp601=; no amino-acid change (aspartic acid 601 retained).
Molecular consequence: synonymous variant. On other transcripts: non-coding transcript variant (3).
Genome position (GRCh38, 1-based): chr2:63,313,257, G>A on the plus strand (C>T on the coding strand, the complement: WDPCP is on the minus strand). VCF-style: chr2-63313257-G-A. GRCh37 (hg19) VCF-style: chr2-63540392-G-A.
Other names: c.1326C>T, p.Asp442= (NM_001042692.3); c.1731C>T, p.Asp577= (NM_001354044.2); c.1803C>T (NM_015910.5).
Identifiers: ClinVar variation 4754317 (VCV004754317.2).